The following is an entry in ClinVar:

NM_032444.4(SLX4):c.2432G>A (p.Arg811Lys)

Gene: SLX4 (SLX4 structure-specific endonuclease subunit; minus strand). Cytogenetic location: 16p13.3.
Variant type: single nucleotide variant.
Coding change: c.2432G>A on transcript NM_032444.4 (MANE Select); coding-DNA position 2432, G replaced by A.
Protein change: p.Arg811Lys; replaces arginine 811 with lysine.
Molecular consequence: missense variant.
Genome position (GRCh38, 1-based): chr16:3,591,206, C>T on the plus strand (G>A on the coding strand, the complement: SLX4 is on the minus strand). VCF-style: chr16-3591206-C-T. GRCh37 (hg19) VCF-style: chr16-3641207-C-T.
Other names: short protein forms R811K.
Identifiers: ClinVar variation 1006162 (VCV001006162.8), dbSNP rs778547872, ClinGen allele CA7866152.

ClinVar aggregate classification (germline): Uncertain significance (1 of 4 stars; one submission).

Conditions:
Fanconi anemia (FA). Also called: Fanconi's anemia. Identifiers: Orphanet 84, MedGen C0015625, MeSH D005199, MONDO:0019391.

Allele frequency attached by ClinVar (database versions not stated): ExAC 0.00001; gnomAD exomes 0.00001.
gnomAD v4.1: 8 of 1,614,100 alleles (0.0005%); highest among the groups gnomAD compares: Middle Eastern, 0.016%; no homozygotes.

Submission:

Labcorp Genetics (formerly Invitae), Labcorp
Classification: Uncertain significance for Fanconi anemia. Last evaluated: 2024-10-16. Review status: criteria provided, single submitter. Criteria: Invitae Variant Classification Sherloc (09022015). Collection method: clinical testing. Allele origin: germline.
Comment: This sequence change replaces arginine, which is basic and polar, with lysine, which is basic and polar, at codon 811 of the SLX4 protein (p.Arg811Lys). This variant is present in population databases (rs778547872, gnomAD 0.003%). This variant has not been reported in the literature in individuals affected with SLX4-related conditions. ClinVar contains an entry for this variant (Variation ID: 1006162). An algorithm developed to predict the effect of missense changes on protein structure and function (PolyPhen-2) suggests that this variant is likely to be disruptive. In summary, the available evidence is currently insufficient to determine the role of this variant in disease. Therefore, it has been classified as a Variant of Uncertain Significance.